The following is an entry in ClinVar:

ClinVar aggregate classification (germline): Pathogenic (1 of 4 stars; one submission).

Conditions:
Inborn genetic diseases. Identifiers: MedGen C0950123, MeSH D030342.

Submission:

Ambry Genetics
Classification: Pathogenic for Inborn genetic diseases. Last evaluated: 2022-11-15. Review status: criteria provided, single submitter. Criteria: Ambry Variant Classification Scheme 2023. Collection method: clinical testing. Allele origin: germline.
Comment: The c.397C>T (p.Q133*) alteration, located in exon 3 (coding exon 1) of the FBXL4 gene, consists of a C to T substitution at nucleotide position 397. This changes the amino acid from a glutamine (Q) to a stop codon at amino acid position 133. This alteration is expected to result in loss of function by premature protein truncation or nonsense-mediated mRNA decay. This variant was not reported in population-based cohorts in the Genome Aggregation Database (gnomAD). Based on the available evidence, this alteration is classified as pathogenic.

NM_001278716.2(FBXL4):c.397C>T (p.Gln133Ter)

Gene: FBXL4 (F-box and leucine rich repeat protein 4; minus strand). Cytogenetic location: 6q16.2.
Variant type: single nucleotide variant.
Coding change: c.397C>T on transcript NM_001278716.2 (MANE Select); coding-DNA position 397, C replaced by T.
Protein change: p.Gln133Ter; replaces glutamine 133 with a stop codon.
Molecular consequence: nonsense. On other transcripts: non-coding transcript variant (2).
Genome position (GRCh38, 1-based): chr6:98,926,592, G>A on the plus strand (C>T on the coding strand, the complement: FBXL4 is on the minus strand). VCF-style: chr6-98926592-G-A. GRCh37 (hg19) VCF-style: chr6-99374468-G-A.
Other names: c.397C>T, p.Gln133Ter (NM_012160.5); short protein forms Q133*.
Identifiers: ClinVar variation 2318750 (VCV002318750.2), dbSNP rs2535144987, ClinGen allele CA365088983.